The following is an entry in ClinVar:

NM_174936.4(PCSK9):c.240G>A (p.Val80=)

Gene: PCSK9 (proprotein convertase subtilisin/kexin type 9; plus strand). Cytogenetic location: 1p32.3.
Variant type: single nucleotide variant.
Coding change: c.240G>A on transcript NM_174936.4 (MANE Select); coding-DNA position 240, G replaced by A.
Protein change: p.Val80=; no amino-acid change (valine 80 retained).
Molecular consequence: synonymous variant.
Genome position (GRCh38, 1-based): chr1:55,043,875, G>A. VCF-style: chr1-55043875-G-A. GRCh37 (hg19) VCF-style: chr1-55509548-G-A.
Identifiers: ClinVar variation 1192251 (VCV001192251.2), dbSNP rs2100266566, ClinGen allele CA417957477.

ClinVar aggregate classification (germline): Likely benign. Review status: criteria provided, multiple submitters, no conflicts (2 of 4 stars). 2 submissions from 2 submitters: Likely benign (2). Last evaluated 2023-12-18.

Conditions:
Hypercholesterolemia, autosomal dominant, 3 (FHCL3). Also called: Familial hypercholesterolemia 3; Familial Hypercholesterolemia, Autosomal Dominant, 3; PCSK9-Related Familial Hypercholesterolemia, Autosomal Dominant. Identifiers: MedGen C1863551, MONDO:0011369, OMIM 603776.

Allele frequency attached by ClinVar (database versions not stated): gnomAD exomes below 0.00001.
gnomAD v4.1: 7 of 1,614,186 alleles (0.00043%); highest among the groups gnomAD compares: Non-Finnish European, 0.00059%; no homozygotes.

Submissions (2):

All of Us Research Program, National Institutes of Health
Classification: Likely benign for Hypercholesterolemia, autosomal dominant, 3. Last evaluated: 2023-12-18. Review status: criteria provided, single submitter. Criteria: ACMG Guidelines, 2015. Collection method: clinical testing. Allele origin: germline. Inheritance: Autosomal dominant inheritance. Observed: 1 variant allele, 1 heterozygote.
Comment: This study involves interpretation of variants in research participants for the purpose of population health screening. Participant phenotype was not available at the time of variant classification. Additional details can be found in publication PMID: 35346344, PMCID: PMC8962531

Women's Health and Genetics/Laboratory Corporation of America, LabCorp
Classification: Likely benign. Last evaluated: 2021-07-18. Review status: criteria provided, single submitter. Criteria: LabCorp Variant Classification Summary - May 2015. Collection method: clinical testing. Allele origin: germline.